The following is an entry in ClinVar:

ClinVar aggregate classification (germline): Benign/Likely benign. Review status: criteria provided, multiple submitters, no conflicts (2 of 4 stars). 9 submissions from 8 submitters: Benign (3); Likely benign (4). 2 of the submissions do not count toward it. Last evaluated 2026-09-01.

Conditions:
Hereditary cancer-predisposing syndrome. Also called: Tumor predisposition; Neoplastic Syndromes, Hereditary; Hereditary neoplastic syndrome; Hereditary Cancer Syndrome. Identifiers: Orphanet 140162, MedGen C0027672, MeSH D009386, MONDO:0015356.
Multiple endocrine neoplasia, type 2 (MEN2). Identifiers: Orphanet 653, MedGen C4048306, MONDO:0019003. Disease mechanism: gain of function.
Multiple endocrine neoplasia type 2A. Also called: Multiple Endocrine Neoplasia Type 2A (MEN2A); MULTIPLE ENDOCRINE NEOPLASIA, TYPE IIA; PTC SYNDROME; SIPPLE SYNDROME; MEN 2A; MEN-2A syndrome. Identifiers: Orphanet 247698, Orphanet 653, MedGen C0025268, MeSH D018813, MONDO:0008234, OMIM 171400.
Multiple endocrine neoplasia type 2B. Also called: Multiple endocrine neoplasia, type 3; MULTIPLE ENDOCRINE NEOPLASIA, TYPE IIB; MEN IIB; NEUROMATA, MUCOSAL, WITH ENDOCRINE TUMORS; WAGENMANN-FROBOESE SYNDROME; MULTIPLE ENDOCRINE NEOPLASIA, TYPE III. Identifiers: Orphanet 247709, Orphanet 653, MedGen C0025269, MeSH D018814, MONDO:0008082, OMIM 162300.

Allele frequency attached by ClinVar (database versions not stated): gnomAD exomes 0.00029 and 0.00046; ExAC 0.00086; gnomAD 0.00185 and 0.00198; ESP Exome Variant Server 0.00193; TOPMed 0.00223; 1000 Genomes Project 0.00339; 1000 Genomes Project 30x 0.00344.
gnomAD v4.1: 706 of 1,581,418 alleles (0.045%); highest among the groups gnomAD compares: African/African-American, 0.62%; 1 homozygote.

Submissions (9):

CeGaT Center for Human Genetics Tuebingen
Classification: Likely benign. Last evaluated: 2026-09-01. Review status: criteria provided, single submitter. Criteria: CeGaT Center For Human Genetics Tuebingen Variant Classification Criteria Version 2. Collection method: clinical testing. Allele origin: germline. Affected: yes. Observed: 4 variant alleles.
Comment: RET: BS1

Labcorp Genetics (formerly Invitae), Labcorp
Classification: Benign for Multiple endocrine neoplasia, type 2. Last evaluated: 2026-02-03. Review status: criteria provided, single submitter. Criteria: Invitae Variant Classification Sherloc (09022015). Collection method: clinical testing. Allele origin: germline.

Blueprint Genetics
Classification: Likely benign. Last evaluated: 2024-10-30. Review status: criteria provided, single submitter. Criteria: ACMG Guidelines, 2015. Collection method: clinical testing. Allele origin: germline.

Sema4
Classification: Benign for Hereditary cancer-predisposing syndrome. Last evaluated: 2020-12-12. Review status: criteria provided, single submitter. Criteria: Sema4 Curation Guidelines. Collection method: curation. Allele origin: germline.

GeneDx
Classification: Likely benign. Last evaluated: 2017-12-26. Review status: criteria provided, single submitter. Criteria: GeneDx Variant Classification (06012015). Collection method: clinical testing. Allele origin: germline. Affected: yes.
Comment: This variant is considered likely benign or benign based on one or more of the following criteria: it is a conservative change, it occurs at a poorly conserved position in the protein, it is predicted to be benign by multiple in silico algorithms, and/or has population frequency not consistent with disease.

Ambry Genetics
Classification: Likely benign for Hereditary cancer-predisposing syndrome. Last evaluated: 2015-04-13. Review status: criteria provided, single submitter. Criteria: Ambry Variant Classification Scheme 2023. Collection method: clinical testing. Allele origin: germline.

Laboratory for Molecular Medicine, Mass General Brigham Personalized Medicine
Classification: Benign. Last evaluated: 2013-02-21. Review status: criteria provided, single submitter. Criteria: LMM Criteria. Collection method: clinical testing. Allele origin: germline. Observed: 1 variant allele.
Comment: 337+12G>A in intron 2 of RET: This variant is not expected to have clinical sign ificance because it is not located within the conserved splice consensus sequenc e. It has been identified in 0.5% (21/4388) of African American chromosomes from a broad population by the NHLBI Exome Sequencing Project (dbSNP rs200468424).

Counsyl
Classification: Likely benign for Multiple endocrine neoplasia type 2B. Last evaluated: 2015-12-07. Review status: no assertion criteria provided. Collection method: clinical testing. Allele origin: unknown. Not counted in ClinVar's aggregate classification.

Counsyl
Classification: Likely benign for Multiple endocrine neoplasia type 2A. Last evaluated: 2015-12-07. Review status: no assertion criteria provided. Collection method: clinical testing. Allele origin: unknown. Not counted in ClinVar's aggregate classification.

NM_020975.6(RET):c.337+12G>A

Gene: RET (ret proto-oncogene; plus strand). Cytogenetic location: 10q11.21.
Variant type: single nucleotide variant.
Coding change: c.337+12G>A on transcript NM_020975.6 (MANE Select); 12 bases into the intron after coding-DNA position 337, G replaced by A.
Molecular consequence: intron variant.
Genome position (GRCh38, 1-based): chr10:43,100,734, G>A. VCF-style: chr10-43100734-G-A. GRCh37 (hg19) VCF-style: chr10-43596182-G-A.
Other names: c.337+12G>A (NM_020630.7, NM_001406743.1, NM_001406744.1 and 32 more transcripts); c.74-8297G>A (NM_001406784.1); c.74-11365G>A (NM_001406794.1, NM_001406792.1, NM_001406793.1).
Identifiers: ClinVar variation 299887 (VCV000299887.46), dbSNP rs200468424, ClinGen allele CA043185.